The following is an entry in ClinVar:

NM_001370259.2(MEN1):c.144G>A (p.Leu48=)

Gene: MEN1 (menin 1; minus strand). Cytogenetic location: 11q13.1.
Variant type: single nucleotide variant.
Coding change: c.144G>A on transcript NM_001370259.2 (MANE Select); coding-DNA position 144, G replaced by A.
Protein change: p.Leu48=; no amino-acid change (leucine 48 retained).
Molecular consequence: synonymous variant. On other transcripts: non-coding transcript variant (4).
Genome position (GRCh38, 1-based): chr11:64,809,966, C>T on the plus strand (G>A on the coding strand, the complement: MEN1 is on the minus strand). VCF-style: chr11-64809966-C-T. GRCh37 (hg19) VCF-style: chr11-64577438-C-T.
Other names: c.144G>A, p.Leu48= (NM_000244.4, NM_001370251.2, NM_001370260.2 and 20 more transcripts).
Identifiers: ClinVar variation 2626592 (VCV002626592.6), dbSNP rs1329477531, ClinGen allele CA475162911.

ClinVar aggregate classification (germline): Benign/Likely benign. Review status: criteria provided, multiple submitters, no conflicts (2 of 4 stars). 3 submissions from 3 submitters: Benign (1); Likely benign (2). Last evaluated 2024-10-31.

Conditions:
Hereditary cancer-predisposing syndrome. Also called: Tumor predisposition; Neoplastic Syndromes, Hereditary; Hereditary Cancer Syndrome; Hereditary neoplastic syndrome. Identifiers: Orphanet 140162, MedGen C0027672, MeSH D009386, MONDO:0015356.
Multiple endocrine neoplasia, type 1 (MEN1). Also called: MEA I; MEN I; WERMER SYNDROME; Endocrine adenomatosis multiple; MEN 1. Identifiers: Orphanet 652, MedGen C0025267, MeSH D018761, MONDO:0007540, OMIM 131100.

Submissions (3):

Myriad Genetics, Inc.
Classification: Benign for Multiple endocrine neoplasia, type 1. Last evaluated: 2024-10-31. Review status: criteria provided, single submitter. Criteria: Myriad Autosomal Dominant, Autosomal Recessive and X-Linked Classification Criteria (2023). Collection method: clinical testing. Allele origin: unknown.
Comment: This variant is considered benign. This variant is a silent/synonymous amino acid change and it is not expected to impact splicing.

Labcorp Genetics (formerly Invitae), Labcorp
Classification: Likely benign for Multiple endocrine neoplasia, type 1. Last evaluated: 2024-02-23. Review status: criteria provided, single submitter. Criteria: Invitae Variant Classification Sherloc (09022015). Collection method: clinical testing. Allele origin: germline.

Ambry Genetics
Classification: Likely benign for Hereditary cancer-predisposing syndrome. Last evaluated: 2023-07-13. Review status: criteria provided, single submitter. Criteria: Ambry Variant Classification Scheme 2023. Collection method: clinical testing. Allele origin: germline.